The following is an entry in ClinVar:

ClinVar aggregate classification (germline): Likely benign (0 of 4 stars; one submission).

Conditions:
AMACR-related disorder. Also called: AMACR-related condition; AMACR-Related Disorders.

Allele frequency attached by ClinVar (database versions not stated): gnomAD exomes below 0.00001; gnomAD 0.00001.
gnomAD v4.1: 2 of 1,614,086 alleles (0.00012%); highest among the groups gnomAD compares: African/African-American, 0.0013%; no homozygotes.

Submission:

PreventionGenetics, part of Exact Sciences
Classification: Likely benign for AMACR-related condition. Last evaluated: 2023-02-14. Review status: no assertion criteria provided. Collection method: clinical testing. Allele origin: germline.
Comment: This variant is classified as likely benign based on ACMG/AMP sequence variant interpretation guidelines (Richards et al. 2015 PMID: 25741868, with internal and published modifications).

NM_014324.6(AMACR):c.876C>A (p.Ala292=)

Genes: AMACR (alpha-methylacyl-CoA racemase; minus strand), C1QTNF3-AMACR (C1QTNF3-AMACR readthrough (NMD candidate); minus strand). Cytogenetic location: 5p13.2.
Variant type: single nucleotide variant.
Coding change: c.876C>A on transcript NM_014324.6 (MANE Select); coding-DNA position 876, C replaced by A.
Protein change: p.Ala292=; no amino-acid change (alanine 292 retained).
Molecular consequence: synonymous variant. On other transcripts: non-coding transcript variant (1), 3 prime UTR variant (1).
Genome position (GRCh38, 1-based): chr5:33,989,366, G>T on the plus strand (C>A on the coding strand, the complement: AMACR is on the minus strand). VCF-style: chr5-33989366-G-T. GRCh37 (hg19) VCF-style: chr5-33989471-G-T.
Other names: c.876C>A, p.Ala292= (NM_001167595.2); c.*118C>A (NM_203382.3).
Identifiers: ClinVar variation 3047742 (VCV003047742.2), dbSNP rs1271558136, ClinGen allele CA444085711.